The following is an entry in ClinVar:

ClinVar aggregate classification (germline): Uncertain significance (1 of 4 stars; one submission).

Submission:

GeneDx
Classification: Uncertain significance. Last evaluated: 2025-03-12. Review status: criteria provided, single submitter. Criteria: GeneDx Variant Classification Process June 2021. Collection method: clinical testing. Allele origin: germline. Affected: yes.
Comment: Not observed at significant frequency in large population cohorts (gnomAD); In silico analysis supports that this missense variant has a deleterious effect on protein structure/function; Has not been previously published as pathogenic or benign to our knowledge

NM_022356.4(P3H1):c.344G>A (p.Arg115His)

Gene: P3H1 (prolyl 3-hydroxylase 1; minus strand). Cytogenetic location: 1p34.2.
Variant type: single nucleotide variant.
Coding change: c.344G>A on transcript NM_022356.4 (MANE Select); coding-DNA position 344, G replaced by A.
Protein change: p.Arg115His; replaces arginine 115 with histidine.
Molecular consequence: missense variant.
Genome position (GRCh38, 1-based): chr1:42,766,628, C>T on the plus strand (G>A on the coding strand, the complement: P3H1 is on the minus strand). VCF-style: chr1-42766628-C-T. GRCh37 (hg19) VCF-style: chr1-43232299-C-T.
Other names: c.344G>A, p.Arg115His (NM_001146289.2, NM_001243246.2); short protein forms R115H.
Identifiers: ClinVar variation 4083303 (VCV004083303.1).